The following is an entry in ClinVar:

NM_181552.4(CUX1):c.3758C>T (p.Pro1253Leu)

Gene: CUX1 (cut like homeobox 1; plus strand). Cytogenetic location: 7q22.1.
Variant type: single nucleotide variant.
Coding change: c.3758C>T on transcript NM_181552.4 (MANE Select); coding-DNA position 3758, C replaced by T.
Protein change: p.Pro1253Leu; replaces proline 1253 with leucine.
Molecular consequence: missense variant. On other transcripts: intron variant (5).
Genome position (GRCh38, 1-based): chr7:102,239,455, C>T. VCF-style: chr7-102239455-C-T. GRCh37 (hg19) VCF-style: chr7-101882735-C-T.
Other names: p.Pro1253Leu; c.3791C>T, p.Pro1264Leu (NM_001202543.2); c.1256-33911C>T (NM_001913.5); c.1250-33911C>T (NM_181500.4); c.1118-33911C>T (NM_001202545.3); c.1208-33911C>T (NM_001202544.3); c.1139-33911C>T (NM_001202546.3); short protein forms P1253L, P1264L.
Identifiers: ClinVar variation 4082198 (VCV004082198.1).
Genomic context (GRCh38, chr7:102,239,455, plus strand): 5'-GCCAGGGCGCCAGCCCCCAGCCCCAGCACCAGCTGAAGAAACCCCGGGTGGTGCTGGCTC[C>T]GGAGGAGAAGGAGGCGCTGAAACGAGCGTATCAGCAAAAGCCATACCCGTCACCAAAAAC-3'
Protein context (NP_853530.2, residues 1243-1263): QLKKPRVVLA[Pro1253Leu]EEKEALKRAY

ClinVar aggregate classification (germline): Uncertain significance (1 of 4 stars; one submission).

Conditions:
Global developmental delay with or without impaired intellectual development. Identifiers: MedGen C5193032, MONDO:0032680, OMIM 618330.

gnomAD v4.1: 13 of 1,613,898 alleles (0.00081%); highest among the groups gnomAD compares: East Asian, 0.0045%; no homozygotes.

Submission:

Foundation for Research in Genetics and Endocrinology, FRIGE's Institute of Human Genetics
Classification: Uncertain significance for Global developmental delay with or without impaired intellectual development. Last evaluated: 2025-09-06. Review status: criteria provided, single submitter. Criteria: ACMG Guidelines, 2015. Collection method: clinical testing. Allele origin: germline. Inheritance: Autosomal dominant inheritance. Affected: yes. Observed: 1 heterozygote.
Comment: A heterozygous missense variant in exon 23 of the CUX1 gene that results in the amino acid substitution of Leucine for Proline at codon 1253 (p.Pro1253Leu) was detected. The variant has not been reported in the 1000 genomes database and has a minor allele frequency of 0.001%, 0.001% and 0.001% in the gnomAD (v3.1), gnomAD (v2.1) and topmed databases respectively. The in-silico predictions of the variant are probably damaging by PolyPhen-2 and damaging by SIFT and LRT. The reference codon is conserved across species.